The following is an entry in ClinVar:

ClinVar aggregate classification (germline): Uncertain significance. Review status: criteria provided, multiple submitters, no conflicts (2 of 4 stars). 3 submissions from 3 submitters: Uncertain significance (3). Last evaluated 2025-03-20.

Conditions:
Short-rib thoracic dysplasia 13 with or without polydactyly (SRTD13). Identifiers: Orphanet 474, MedGen C4225378, MONDO:0014577, OMIM 616300.

Allele frequency attached by ClinVar (database versions not stated): gnomAD exomes below 0.00001 and 0.00001; gnomAD 0.00001.

Submissions (3):

Women's Health and Genetics/Laboratory Corporation of America, LabCorp
Classification: Uncertain significance. Last evaluated: 2025-03-20. Review status: criteria provided, single submitter. Criteria: LabCorp Variant Classification Summary - May 2015. Collection method: clinical testing. Allele origin: germline.
Comment: Variant summary: CEP120 c.1A>G (p.Met1Val) alters the initiation codon and is predicted to result either in absence of the protein or truncation of the encoded protein due to translation initiation at a downstream codon. The next downstream in-frame initiation codon is at codon 27. To our knowledge no other pathogenic variants has been reported upstream of this codon. Three of four in-silico tools predict a damaging effect of the variant on protein function. The variant allele was found at a frequency of 4e-06 in 249444 control chromosomes. The available data on variant occurrences in the general population are insufficient to allow any conclusion about variant significance. To our knowledge, no occurrence of c.1A>G in individuals affected with CEP120-Related Disorders and no experimental evidence demonstrating its impact on protein function have been reported. ClinVar contains an entry for this variant (Variation ID: 1483504). Based on the evidence outlined above, the variant was classified as uncertain significance.

GeneDx
Classification: Uncertain significance. Last evaluated: 2023-11-06. Review status: criteria provided, single submitter. Criteria: GeneDx Variant Classification Process June 2021. Collection method: clinical testing. Allele origin: germline. Affected: yes.
Comment: Not observed at significant frequency in large population cohorts (gnomAD); Initiation codon variant in a gene for which loss of function is a known mechanism of disease; a downstream methionine is located at codon p.M27; Has not been previously published as pathogenic or benign to our knowledge

Labcorp Genetics (formerly Invitae), Labcorp
Classification: Uncertain significance for Short-rib thoracic dysplasia 13 with or without polydactyly. Last evaluated: 2022-06-05. Review status: criteria provided, single submitter. Criteria: Invitae Variant Classification Sherloc (09022015). Collection method: clinical testing. Allele origin: germline.
Comment: This variant has not been reported in the literature in individuals affected with CEP120-related conditions. ClinVar contains an entry for this variant (Variation ID: 1483504). Experimental studies and prediction algorithms are not available or were not evaluated, and the functional significance of this variant is currently unknown. In summary, the available evidence is currently insufficient to determine the role of this variant in disease. Therefore, it has been classified as a Variant of Uncertain Significance. This sequence change affects the initiator methionine of the CEP120 mRNA. The next in-frame methionine is located at codon 27. This variant is present in population databases (no rsID available, gnomAD 0.0009%).

NM_001375405.1(CEP120):c.1A>G (p.Met1Val)

Gene: CEP120 (centrosomal protein 120; minus strand). Cytogenetic location: 5q23.2.
Variant type: single nucleotide variant.
Coding change: c.1A>G on transcript NM_001375405.1 (MANE Select); coding-DNA position 1, A replaced by G.
Protein change: p.Met1Val; changes the start codon (methionine 1).
Molecular consequence: missense variant, initiator codon variant. On other transcripts: 5 prime UTR variant (2), non-coding transcript variant (1), intron variant (1).
Genome position (GRCh38, 1-based): chr5:123,422,998, T>C on the plus strand (A>G on the coding strand, the complement: CEP120 is on the minus strand). VCF-style: chr5-123422998-T-C. GRCh37 (hg19) VCF-style: chr5-122758692-T-C.
Other names: c.1A>G (NM_153223.3); c.1A>G, p.Met1Val (NM_001375406.1, NM_001375407.1, NM_153223.4); c.-748A>G (NM_001375408.1); c.-690A>G (NM_001375409.1); c.-30+511A>G (NM_001166226.2); short protein forms M1V.
Identifiers: ClinVar variation 1483504 (VCV001483504.9), dbSNP rs1486546438, ClinGen allele CA360897927.